The following is an entry in ClinVar:

NM_014484.5(MOCS3):c.213G>T (p.Glu71Asp)

Gene: MOCS3 (molybdenum cofactor synthesis 3; plus strand). Cytogenetic location: 20q13.13.
Variant type: single nucleotide variant.
Coding change: c.213G>T on transcript NM_014484.5 (MANE Select); coding-DNA position 213, G replaced by T.
Protein change: p.Glu71Asp; replaces glutamic acid 71 with aspartic acid.
Molecular consequence: missense variant.
Genome position (GRCh38, 1-based): chr20:50,959,055, G>T. VCF-style: chr20-50959055-G-T. GRCh37 (hg19) VCF-style: chr20-49575592-G-T.
Other names: short protein forms E71D.
Identifiers: ClinVar variation 1969089 (VCV001969089.5), dbSNP rs780139370, ClinGen allele CA9909360.

ClinVar aggregate classification (germline): Uncertain significance (1 of 4 stars; one submission).

Submission:

Labcorp Genetics (formerly Invitae), Labcorp
Classification: Uncertain significance. Last evaluated: 2022-06-10. Review status: criteria provided, single submitter. Criteria: Invitae Variant Classification Sherloc (09022015). Collection method: clinical testing. Allele origin: germline.
Comment: This sequence change replaces glutamic acid, which is acidic and polar, with aspartic acid, which is acidic and polar, at codon 71 of the MOCS3 protein (p.Glu71Asp). This variant is present in population databases (rs780139370, gnomAD 0.0009%). This variant has not been reported in the literature in individuals affected with MOCS3-related conditions. Algorithms developed to predict the effect of missense changes on protein structure and function (SIFT, PolyPhen-2, Align-GVGD) all suggest that this variant is likely to be tolerated. In summary, the available evidence is currently insufficient to determine the role of this variant in disease. Therefore, it has been classified as a Variant of Uncertain Significance.